The following is an entry in ClinVar:

ClinVar aggregate classification (germline): Uncertain significance (1 of 4 stars; one submission).

Submission:

Ambry Genetics
Classification: Uncertain significance. Last evaluated: 2022-01-11. Review status: criteria provided, single submitter. Criteria: Ambry Variant Classification Scheme 2023. Collection method: clinical testing. Allele origin: germline.
Comment: The p.N2035Y variant (also known as c.6103A>T), located in coding exon 19 of the POLQ gene, results from an A to T substitution at nucleotide position 6103. The asparagine at codon 2035 is replaced by tyrosine, an amino acid with dissimilar properties. This amino acid position is conserved. In addition, this alteration is predicted to be tolerated by in silico analysis. Since supporting evidence is limited at this time, the clinical significance of this alteration remains unclear.

NM_199420.4(POLQ):c.6103A>T (p.Asn2035Tyr)

Gene: POLQ (DNA polymerase theta; minus strand). Cytogenetic location: 3q13.33.
Variant type: single nucleotide variant.
Coding change: c.6103A>T on transcript NM_199420.4 (MANE Select); coding-DNA position 6103, A replaced by T.
Protein change: p.Asn2035Tyr; replaces asparagine 2035 with tyrosine.
Molecular consequence: missense variant.
Genome position (GRCh38, 1-based): chr3:121,481,680, T>A on the plus strand (A>T on the coding strand, the complement: POLQ is on the minus strand). VCF-style: chr3-121481680-T-A. GRCh37 (hg19) VCF-style: chr3-121200527-T-A.
Other names: short protein forms N2035Y.
Identifiers: ClinVar variation 1751640 (VCV001751640.2), dbSNP rs2546780363, ClinGen allele CA354087821.